The following is an entry in ClinVar:

ClinVar aggregate classification (germline): Uncertain significance. Review status: criteria provided, multiple submitters, no conflicts (2 of 4 stars). 3 submissions from 3 submitters: Uncertain significance (3). Last evaluated 2025-11-03.

Conditions:
FDXR-related disorder. Also called: FDXR-related condition; FDXR-related disorders.
Inborn genetic diseases. Identifiers: MedGen C0950123, MeSH D030342.

Allele frequency attached by ClinVar (database versions not stated): gnomAD exomes 0.00001; TOPMed 0.00001.
gnomAD v4.1: 3 of 1,613,472 alleles (0.00019%); highest among the groups gnomAD compares: Admixed American, 0.005%; no homozygotes.

Submissions (3):

Ambry Genetics
Classification: Uncertain significance for Inborn genetic diseases. Last evaluated: 2025-11-03. Review status: criteria provided, single submitter. Criteria: Ambry Variant Classification Scheme 2023. Collection method: clinical testing. Allele origin: germline.

Blueprint Genetics
Classification: Uncertain significance. Last evaluated: 2023-11-23. Review status: criteria provided, single submitter. Criteria: ACMG Guidelines, 2015. Collection method: clinical testing. Allele origin: germline.

PreventionGenetics, part of Exact Sciences
Classification: Uncertain significance for FDXR-related condition. Last evaluated: 2022-10-20. Review status: criteria provided, single submitter. Criteria: ACMG Guidelines, 2015. Collection method: clinical testing. Allele origin: germline.
Comment: The FDXR c.275T>A variant is predicted to result in the amino acid substitution p.Val92Asp. To our knowledge, this variant has not been reported in the literature. This variant is reported in 0.0087% of alleles in individuals of Latino descent in gnomAD. At this time, the clinical significance of this variant is uncertain due to the absence of conclusive functional and genetic evidence.

NM_024417.5(FDXR):c.275T>A (p.Val92Asp)

Gene: FDXR (ferredoxin reductase; minus strand). Cytogenetic location: 17q25.1.
Variant type: single nucleotide variant.
Coding change: c.275T>A on transcript NM_024417.5 (MANE Select); coding-DNA position 275, T replaced by A.
Protein change: p.Val92Asp; replaces valine 92 with aspartic acid.
Molecular consequence: missense variant. On other transcripts: non-coding transcript variant (1), intron variant (2).
Genome position (GRCh38, 1-based): chr17:74,866,564, A>T on the plus strand (T>A on the coding strand, the complement: FDXR is on the minus strand). VCF-style: chr17-74866564-A-T. GRCh37 (hg19) VCF-style: chr17-72862686-A-T.
Other names: c.275T>A (NM_024417.4); c.404T>A, p.Val135Asp (NM_001258012.4); c.368T>A, p.Val123Asp (NM_001258013.4); c.119T>A, p.Val40Asp (NM_001258016.3); c.275T>A, p.Val92Asp (NM_004110.6); c.271-20T>A (NM_001258014.4); c.273+220T>A (NM_001258015.3); short protein forms V135D, V92D, V40D, V123D.
Identifiers: ClinVar variation 2282911 (VCV002282911.5), dbSNP rs893285998, ClinGen allele CA293971779.